The following is an entry in ClinVar:

NM_000540.3(RYR1):c.6466C>T (p.Leu2156Phe)

Gene: RYR1 (ryanodine receptor 1; plus strand). Cytogenetic location: 19q13.2.
Variant type: single nucleotide variant.
Coding change: c.6466C>T on transcript NM_000540.3 (MANE Select); coding-DNA position 6466, C replaced by T.
Protein change: p.Leu2156Phe; replaces leucine 2156 with phenylalanine.
Molecular consequence: missense variant.
Genome position (GRCh38, 1-based): chr19:38,494,543, C>T. VCF-style: chr19-38494543-C-T. GRCh37 (hg19) VCF-style: chr19-38985183-C-T.
Other names: c.6466C>T, p.Leu2156Phe (NM_001042723.2); c.6466C>T (NM_000540.2); short protein forms L2156F.
Identifiers: ClinVar variation 1062394 (VCV001062394.7), dbSNP rs1202572873, ClinGen allele CA405664218.

ClinVar aggregate classification (germline): Uncertain significance. Review status: criteria provided, multiple submitters, no conflicts (2 of 4 stars). 2 submissions from 2 submitters: Uncertain significance (2). Last evaluated 2024-05-08.

Conditions:
RYR1-related disorder. Also called: RYR1-related condition; RYR1-related disorders. Identifiers: MedGen CN239331.
Inborn genetic diseases. Identifiers: MedGen C0950123, MeSH D030342.

Allele frequency attached by ClinVar (database versions not stated): gnomAD 0.00001; TOPMed 0.00001.
gnomAD v4.1: 2 of 1,613,968 alleles (0.00012%); highest among the groups gnomAD compares: African/African-American, 0.0027%; no homozygotes.

Submissions (2):

Ambry Genetics
Classification: Uncertain significance for Inborn genetic diseases. Last evaluated: 2024-05-08. Review status: criteria provided, single submitter. Criteria: Ambry Variant Classification Scheme 2023. Collection method: clinical testing. Allele origin: germline.

Labcorp Genetics (formerly Invitae), Labcorp
Classification: Uncertain significance for RYR1-related disorder. Last evaluated: 2021-09-01. Review status: criteria provided, single submitter. Criteria: Invitae Variant Classification Sherloc (09022015). Collection method: clinical testing. Allele origin: germline.
Comment: This sequence change replaces leucine with phenylalanine at codon 2156 of the RYR1 protein (p.Leu2156Phe). The leucine residue is highly conserved and there is a small physicochemical difference between leucine and phenylalanine. This variant is not present in population databases (ExAC no frequency). This variant has not been reported in the literature in individuals affected with RYR1-related conditions. Algorithms developed to predict the effect of missense changes on protein structure and function are either unavailable or do not agree on the potential impact of this missense change (SIFT: "Deleterious"; PolyPhen-2: "Benign"; Align-GVGD: "Class C0"). In summary, the available evidence is currently insufficient to determine the role of this variant in disease. Therefore, it has been classified as a Variant of Uncertain Significance.